The following is an entry in ClinVar:

ClinVar aggregate classification (germline): Uncertain significance (1 of 4 stars; one submission).

Conditions:
Inborn genetic diseases. Identifiers: MedGen C0950123, MeSH D030342.

Submission:

Ambry Genetics
Classification: Uncertain significance for Inborn genetic diseases. Last evaluated: 2024-11-30. Review status: criteria provided, single submitter. Criteria: Ambry Variant Classification Scheme 2023. Collection method: clinical testing. Allele origin: germline.
Comment: The p.Y1206H variant (also known as c.3616T>C), located in coding exon 1 of the SAMD9L gene, results from a T to C substitution at nucleotide position 3616. The tyrosine at codon 1206 is replaced by histidine, an amino acid with similar properties. This amino acid position is conserved. In addition, this alteration is predicted to be tolerated by in silico analysis. Based on the available evidence, the clinical significance of this variant remains unclear.

NM_152703.5(SAMD9L):c.3616T>C (p.Tyr1206His)

Gene: SAMD9L (sterile alpha motif domain containing 9 like; minus strand). Cytogenetic location: 7q21.2.
Variant type: single nucleotide variant.
Coding change: c.3616T>C on transcript NM_152703.5 (MANE Select); coding-DNA position 3616, T replaced by C.
Protein change: p.Tyr1206His; replaces tyrosine 1206 with histidine.
Molecular consequence: missense variant.
Genome position (GRCh38, 1-based): chr7:93,132,356, A>G on the plus strand (T>C on the coding strand, the complement: SAMD9L is on the minus strand). VCF-style: chr7-93132356-A-G. GRCh37 (hg19) VCF-style: chr7-92761669-A-G.
Other names: c.3616T>C, p.Tyr1206His (NM_001303496.3, NM_001303497.3, NM_001303498.3 and 5 more transcripts); short protein forms Y1206H.
Identifiers: ClinVar variation 3437201 (VCV003437201.1).